The following is an entry in ClinVar:

ClinVar aggregate classification (germline): Pathogenic. Review status: criteria provided, multiple submitters, no conflicts (2 of 4 stars). 5 submissions from 5 submitters: Pathogenic (5). Last evaluated 2026-01-23.

Conditions:
Rare genetic deafness. Identifiers: Orphanet 96210, MedGen C5680250.
Waardenburg syndrome. Also called: Waardenburg's syndrome. Identifiers: Orphanet 3440, MedGen C3266898, MONDO:0018094.
PAX3-related disorder. Also called: PAX3-related condition.
Waardenburg syndrome type 1 (WS1). Also called: WAARDENBURG SYNDROME WITH DYSTOPIA CANTHORUM; Waardenburg Syndrome Type I. Identifiers: Orphanet 894, MedGen C1847800, MONDO:0008670, OMIM 193500.

Submissions (5):

PreventionGenetics, part of Exact Sciences
Classification: Pathogenic for PAX3-related condition. Last evaluated: 2026-01-23. Review status: criteria provided, single submitter. Criteria: ACMG Guidelines, 2015. Collection method: clinical testing. Allele origin: germline.
Comment: The PAX3 c.879dupG variant is predicted to result in a frameshift and premature protein termination (p.Phe294Valfs*116). This variant was reported in the heterozygous state in multiple individuals with Waardenburg syndrome or hearing loss (described as 874ins1, Tassabehji et al. 1995. PubMed ID: 8589691; Table S1, Kim et al. 2022. PubMed ID: 35853923; Baldwin et al. 1995. PubMed ID: 8533800). This variant has not been reported in a large population database (gnomAD), indicating this variant is rare. Frameshift variants in PAX3 are expected to be pathogenic. This variant is interpreted as pathogenic.

Labcorp Genetics (formerly Invitae), Labcorp
Classification: Pathogenic. Last evaluated: 2022-09-19. Review status: criteria provided, single submitter. Criteria: Invitae Variant Classification Sherloc (09022015). Collection method: clinical testing. Allele origin: germline.
Comment: For these reasons, this variant has been classified as Pathogenic. ClinVar contains an entry for this variant (Variation ID: 505425). This variant is also known as 874ins(G). This premature translational stop signal has been observed in individual(s) with Waardenburg syndrome (PMID: 8533800, 8589691, 9017978; Invitae). In at least one individual the variant was observed to be de novo. This variant is not present in population databases (gnomAD no frequency). This sequence change creates a premature translational stop signal (p.Phe294Valfs*116) in the PAX3 gene. While this is not anticipated to result in nonsense mediated decay, it is expected to disrupt the last 186 amino acid(s) of the PAX3 protein.

Mendelics
Classification: Pathogenic for Waardenburg syndrome type 1. Last evaluated: 2019-05-28. Review status: criteria provided, single submitter. Criteria: Mendelics Assertion Criteria 2017. Collection method: clinical testing. Allele origin: unknown.

Blueprint Genetics
Classification: Pathogenic for PAX3-related disorders. Last evaluated: 2018-02-20. Review status: criteria provided, single submitter. Criteria: ACMG Guidelines, 2015. Collection method: clinical testing. Allele origin: germline. Affected: yes. Observed: 1 variant allele.

Laboratory for Molecular Medicine, Mass General Brigham Personalized Medicine
Classification: Pathogenic for Rare genetic deafness; Waardenburg syndrome. Last evaluated: 2016-11-08. Review status: criteria provided, single submitter. Criteria: LMM Criteria. Collection method: clinical testing. Allele origin: germline. Inheritance: Autosomal dominant inheritance. Observed: 1 variant allele.
Comment: The p.Phe293fs variant in PAX3 has been reported in 4 individuals with Waardenbu rg syndrome type I (Baldwin 1995, Tassabehji 1995, Morell 1997), and segregated with disease in 3 affected relatives from 2 families (Baldwin 1995, Morell 1997) . It has not been identified in large population studies. This variant is predic ted to cause a frameshift, which alters the protein?s amino acid sequence beginn ing at position 293 and leads to a premature termination codon 116 amino acids d ownstream. This alteration is then predicted to lead to a truncated or absent pr otein. Heterozygous loss of function of the PAX3 gene is an established disease mechanism in individuals with Waardenburg syndrome. In summary, this variant mee ts criteria to be classified as pathogenic for Waardenburg syndrome in an autoso mal dominant manner based upon its predicted impact to the protein, presence in multiple previously reported affected individuals, co-segregations, and extremel y low frequency in the general population.

Literature cited by the submitters: PubMed 8533800 (cited by Labcorp Genetics (formerly Invitae), Labcorp and Laboratory for Molecular Medicine, Mass General Brigham Personalized Medicine); PubMed 8589691 (cited by Labcorp Genetics (formerly Invitae), Labcorp and Laboratory for Molecular Medicine, Mass General Brigham Personalized Medicine); PubMed 9017978 (cited by Labcorp Genetics (formerly Invitae), Labcorp and Laboratory for Molecular Medicine, Mass General Brigham Personalized Medicine).

NM_181458.4(PAX3):c.879dup (p.Phe294fs)

Gene: PAX3 (paired box 3; minus strand). Cytogenetic location: 2q36.1.
Variant type: Duplication.
Coding change: c.879dup on transcript NM_181458.4 (MANE Select); coding-DNA position 879, one base duplicated (G; older notation c.879dupG).
Protein change: p.Phe294fs; shifts the reading frame from phenylalanine 294.
Molecular consequence: frameshift variant.
Genome position (GRCh38, 1-based): chr2:222,221,301, C duplicated on the plus strand (G on the coding strand, the reverse complement: PAX3 is on the minus strand); the first of 6 consecutive C bases (chr2:222,221,301-222,221,306); duplicating any one gives the same sequence. VCF-style (leftmost placement, unchanged base first): chr2-222221300-A-AC. GRCh37 (hg19) VCF-style: chr2-223086019-A-AC.
Other names: NM_001127366.2:c.876dupG; p.Phe293ValfsX116; c.879dupG (NM_181457.3); c.876dup, p.Phe293fs (NM_001127366.3); c.879dup, p.Phe294fs (NM_181457.4, NM_181459.4, NM_181460.4 and 1 more transcripts); short protein forms F294fs, F293fs.
Identifiers: ClinVar variation 505425 (VCV000505425.16), dbSNP rs1553572967, ClinGen allele CA539836815.